The following is an entry in ClinVar:

ClinVar aggregate classification (germline): Likely benign (1 of 4 stars; one submission).

Allele frequency attached by ClinVar (database versions not stated): gnomAD exomes 0.00001.

Submission:

CeGaT Center for Human Genetics Tuebingen
Classification: Likely benign. Last evaluated: 2023-07-01. Review status: criteria provided, single submitter. Criteria: CeGaT Center For Human Genetics Tuebingen Variant Classification Criteria Version 2. Collection method: clinical testing. Allele origin: germline. Affected: yes. Observed: 1 variant allele.
Comment: HYDIN: BP4

NM_001270974.2(HYDIN):c.6317-7C>T

Gene: HYDIN (HYDIN axonemal central pair apparatus protein; minus strand). Cytogenetic location: 16q22.2.
Variant type: single nucleotide variant.
Coding change: c.6317-7C>T on transcript NM_001270974.2 (MANE Select); 7 bases into the intron before coding-DNA position 6317, C replaced by T.
Molecular consequence: intron variant.
Genome position (GRCh38, 1-based): chr16:70,952,642, G>A on the plus strand (C>T on the coding strand, the complement: HYDIN is on the minus strand). VCF-style: chr16-70952642-G-A. GRCh37 (hg19) VCF-style: chr16-70986545-G-A.
Identifiers: ClinVar variation 2646760 (VCV002646760.24), dbSNP rs200482176, ClinGen allele CA283521298.